The following is an entry in ClinVar:

ClinVar aggregate classification (germline): Benign/Likely benign. Review status: criteria provided, multiple submitters, no conflicts (2 of 4 stars). 10 submissions from 9 submitters: Benign (7); Likely benign (3). Last evaluated 2026-01-27.

Conditions:
MYH9-related disorder. Identifiers: MedGen C1854520.
Autosomal dominant nonsyndromic hearing loss 17. Also called: Autosomal dominant nonsyndromic deafness 17; Deafness, autosomal dominant 17. Identifiers: Orphanet 90635, MedGen C1863659, MONDO:0011350, OMIM 603622.

Allele frequency attached by ClinVar (database versions not stated): 1000 Genomes Project 30x 0.00156; 1000 Genomes Project 0.00180; gnomAD 0.00387 and 0.00435; TOPMed 0.00439; ESP Exome Variant Server 0.00600.
gnomAD v4.1: 1,166 of 1,611,744 alleles (0.072%); highest among the groups gnomAD compares: African/African-American, 1.3%; 8 homozygotes.

Submissions (10):

Labcorp Genetics (formerly Invitae), Labcorp
Classification: Benign. Last evaluated: 2026-01-27. Review status: criteria provided, single submitter. Criteria: Invitae Variant Classification Sherloc (09022015). Collection method: clinical testing. Allele origin: germline.

CeGaT Center for Human Genetics Tuebingen
Classification: Likely benign. Last evaluated: 2025-09-01. Review status: criteria provided, single submitter. Criteria: CeGaT Center For Human Genetics Tuebingen Variant Classification Criteria Version 2. Collection method: clinical testing. Allele origin: germline. Affected: yes. Observed: 3 variant alleles.
Comment: MYH9: BP4, BP7, BS1

Blueprint Genetics
Classification: Likely benign. Last evaluated: 2024-11-27. Review status: criteria provided, single submitter. Criteria: ACMG Guidelines, 2015. Collection method: clinical testing. Allele origin: germline.

Mayo Clinic Laboratories, Mayo Clinic
Classification: Benign. Last evaluated: 2024-04-26. Review status: criteria provided, single submitter. Criteria: ACMG Guidelines, 2015. Collection method: clinical testing. Allele origin: germline. Observed: 4 variant alleles.
Comment: BS1, BS2, BP4, BP7

ARUP Laboratories, Molecular Genetics and Genomics, ARUP Laboratories
Classification: Benign. Last evaluated: 2023-12-11. Review status: criteria provided, single submitter. Criteria: ARUP Molecular Germline Variant Investigation Process 2024. Collection method: clinical testing. Allele origin: germline.

GeneDx
Classification: Benign. Last evaluated: 2018-09-02. Review status: criteria provided, single submitter. Criteria: GeneDx Variant Classification Process June 2021. Collection method: clinical testing. Allele origin: germline. Affected: yes.

Illumina Laboratory Services, Illumina
Classification: Benign for MYH9-related disorder. Last evaluated: 2018-01-13. Review status: criteria provided, single submitter. Criteria: ICSL Variant Classification Criteria 13 December 2019. Collection method: clinical testing. Allele origin: germline.
Comment: This variant was observed in the ICSL laboratory as part of a predisposition screen in an ostensibly healthy population. It had not been previously curated by ICSL or reported in the Human Gene Mutation Database (HGMD: prior to June 1st, 2018), and was therefore a candidate for classification through an automated scoring system. Utilizing variant allele frequency, disease prevalence and penetrance estimates, and inheritance mode, an automated score was calculated to assess if this variant is too frequent to cause the disease. Based on the score and internal cut-off values, a variant classified as benign is not then subjected to further curation. The score for this variant resulted in a classification of benign for this disease.

Illumina Laboratory Services, Illumina
Classification: Benign for Autosomal dominant nonsyndromic hearing loss 17. Last evaluated: 2018-01-13. Review status: criteria provided, single submitter. Criteria: ICSL Variant Classification Criteria 13 December 2019. Collection method: clinical testing. Allele origin: germline.
Comment: the same text as in the submission from Illumina Laboratory Services, Illumina above.

Laboratory for Molecular Medicine, Mass General Brigham Personalized Medicine
Classification: Benign. Last evaluated: 2012-04-30. Review status: criteria provided, single submitter. Criteria: LMM Criteria. Collection method: clinical testing. Allele origin: germline. Observed: 5 variant alleles.
Comment: Thr907Thr in Exon 22 of MYH9: This variant is not expected to have clinical sign ificance because it does not alter an amino acid residue, is not located within the splice consensus sequence, and has been identified in 1.8% (69/3738) of Afri can American chromosomes from a broad population by the NHLBI Exome Sequencing P roject (dbSNP rs148112044).

PreventionGenetics, part of Exact Sciences
Classification: Likely benign. Review status: criteria provided, single submitter. Criteria: ACMG Guidelines, 2015. Collection method: clinical testing. Allele origin: germline.

NM_002473.6(MYH9):c.2721C>T (p.Thr907=)

Genes: MYH9 (myosin heavy chain 9; minus strand), LOC126863137 (CDK7 strongly-dependent group 2 enhancer GRCh37_chr22:36696002-36697201; plus strand). Cytogenetic location: 22q12.3.
Variant type: single nucleotide variant.
Coding change: c.2721C>T on transcript NM_002473.6 (MANE Select); coding-DNA position 2721, C replaced by T.
Protein change: p.Thr907=; no amino-acid change (threonine 907 retained).
Molecular consequence: synonymous variant.
Genome position (GRCh38, 1-based): chr22:36,300,968, G>A on the plus strand (C>T on the coding strand, the complement: MYH9 is on the minus strand). VCF-style: chr22-36300968-G-A. GRCh37 (hg19) VCF-style: chr22-36697014-G-A.
Other names: p.Thr907=.
Identifiers: ClinVar variation 164445 (VCV000164445.46), dbSNP rs148112044, ClinGen allele CA177108.
Genomic context (GRCh38, chr22:36,300,968, plus strand): 5'-CTCCTCCTCCACCCTGGCCTCTAGGTCATGGCAGATCTCTTCTAATTCCTGCTTCTTGGC[G>A]GTCAGGCGGGCCCGGAGCTCCTCAGCCTCGGCACACAGCTCGGTTTCTGCCTGGAGCTGC-3'
Protein context (NP_002464.1, residues 897-917): AEAEELRARL[Thr907=]AKKQELEEIC